The following is an entry in ClinVar:

NM_003482.4(KMT2D):c.6594del (p.Tyr2199fs)

Gene: KMT2D (lysine methyltransferase 2D; minus strand). Cytogenetic location: 12q13.12.
Variant type: Deletion.
Coding change: c.6594del on transcript NM_003482.4 (MANE Select); coding-DNA position 6594, one base deleted (C; older notation c.6594delC).
Protein change: p.Tyr2199fs; shifts the reading frame from tyrosine 2199.
Molecular consequence: frameshift variant.
Genome position (GRCh38, 1-based): chr12:49,041,176, G deleted on the plus strand (C on the coding strand, the reverse complement: KMT2D is on the minus strand); the first of 6 consecutive G bases (chr12:49,041,176-49,041,181); deleting any one gives the same sequence. VCF-style (leftmost placement, unchanged base first): chr12-49041175-AG-A. GRCh37 (hg19) VCF-style: chr12-49434958-AG-A.
Other names: c.6594delC (NM_003482.3); short protein forms Y2199fs.
Identifiers: ClinVar variation 531891 (VCV000531891.2), dbSNP rs1555192751, ClinGen allele CA645579714.

ClinVar aggregate classification (germline): Pathogenic. Review status: criteria provided, single submitter (1 of 4 stars). 2 submissions from 2 submitters: Pathogenic (1). 1 of the submissions does not count toward it. Last evaluated 2017-09-06.

Conditions:
KMT2D-related disorder. Also called: KMT2D-Related Disorders.
Kabuki syndrome. Also called: Kabuki make-up syndrome; NIIKAWA-KUROKI SYNDROME. Identifiers: Orphanet 2322, MedGen C0796004, MONDO:0016512.

Submissions (2):

Labcorp Genetics (formerly Invitae), Labcorp
Classification: Pathogenic for Kabuki syndrome. Last evaluated: 2017-09-06. Review status: criteria provided, single submitter. Criteria: Invitae Variant Classification Sherloc (09022015). Collection method: clinical testing. Allele origin: germline.
Comment: This sequence change creates a premature translational stop signal (p.Tyr2199Ilefs*65) in the KMT2D gene. It is expected to result in an absent or disrupted protein product. This variant is not present in population databases (ExAC no frequency). This variant has been reported in the literature in an individual affected with Kabuki syndrome (PMID: 21671394). Loss-of-function variants in KMT2D are known to be pathogenic (PMID: 22126750). For these reasons, this variant has been classified as Pathogenic.

PreventionGenetics, part of Exact Sciences
Classification: Pathogenic for KMT2D-related condition. Last evaluated: 2024-04-04. Review status: no assertion criteria provided. Collection method: clinical testing. Allele origin: germline. Not counted in ClinVar's aggregate classification.
Comment: The KMT2D c.6594delC variant is predicted to result in a frameshift and premature protein termination (p.Tyr2199Ilefs*65). This variant was reported in an individual with Kabuki syndrome (Table S2, Hannibal et al. 2011. PubMed ID: 21671394). This variant has not been reported in a large population database, indicating this variant is rare. Frameshift variants in KMT2D are expected to be pathogenic. This variant is interpreted as pathogenic.

Literature cited by the submitters: PubMed 21671394 (cited by Labcorp Genetics (formerly Invitae), Labcorp).